The following is an entry in ClinVar:

NM_000038.6(APC):c.5982C>G (p.Asp1994Glu)

Gene: APC (APC regulator of Wnt signaling pathway; plus strand). Cytogenetic location: 5q22.2.
Variant type: single nucleotide variant.
Coding change: c.5982C>G on transcript NM_000038.6 (MANE Select); coding-DNA position 5982, C replaced by G.
Protein change: p.Asp1994Glu; replaces aspartic acid 1994 with glutamic acid.
Molecular consequence: missense variant.
Genome position (GRCh38, 1-based): chr5:112,841,576, C>G. VCF-style: chr5-112841576-C-G. GRCh37 (hg19) VCF-style: chr5-112177273-C-G.
Other names: c.5982C>G, p.Asp1994Glu (NM_001127510.3, NM_001354895.2); c.5928C>G, p.Asp1976Glu (NM_001127511.3); c.6036C>G, p.Asp2012Glu (NM_001354896.2); c.6012C>G, p.Asp2004Glu (NM_001354897.2); c.5907C>G, p.Asp1969Glu (NM_001354898.2); c.5898C>G, p.Asp1966Glu (NM_001354899.2); c.5859C>G, p.Asp1953Glu (NM_001354900.2); c.5805C>G, p.Asp1935Glu (NM_001354901.2); and 5 more; short protein forms D1976E, D1994E, D1893E, D1953E, D1834E, D1868E, D1903E, D1966E.
Identifiers: ClinVar variation 220442 (VCV000220442.22), dbSNP rs372852823, ClinGen allele CA043621.

ClinVar aggregate classification (germline): Uncertain significance. Review status: criteria provided, multiple submitters, no conflicts (2 of 4 stars). 8 submissions from 8 submitters: Uncertain significance (8). Last evaluated 2026-04-19.

Conditions:
Classic or attenuated familial adenomatous polyposis. Identifiers: MedGen CN372698, MONDO:0021057.
Hereditary cancer-predisposing syndrome. Also called: Tumor predisposition; Neoplastic Syndromes, Hereditary; Hereditary Cancer Syndrome; Hereditary neoplastic syndrome. Identifiers: Orphanet 140162, MedGen C0027672, MeSH D009386, MONDO:0015356.
Familial adenomatous polyposis 1 (FAP1). Also called: POLYPOSIS, ADENOMATOUS INTESTINAL; FAMILIAL ADENOMATOUS POLYPOSIS 1, ATTENUATED. Identifiers: MedGen C2713442, MONDO:0021056, OMIM 175100. Disease mechanism: loss of function.

Allele frequency attached by ClinVar (database versions not stated): gnomAD exomes 0.00001; ExAC 0.00002; gnomAD 0.00005; ESP Exome Variant Server 0.00008.
gnomAD v4.1: 25 of 1,613,774 alleles (0.0015%); highest among the groups gnomAD compares: Non-Finnish European, 0.0021%; no homozygotes.

Submissions (8):

Women's Health and Genetics/Laboratory Corporation of America, LabCorp
Classification: Uncertain significance. Last evaluated: 2026-04-19. Review status: criteria provided, single submitter. Criteria: LabCorp Variant Classification Summary - May 2015. Collection method: clinical testing. Allele origin: germline.

Labcorp Genetics (formerly Invitae), Labcorp
Classification: Uncertain significance for Familial adenomatous polyposis 1. Last evaluated: 2025-12-31. Review status: criteria provided, single submitter. Criteria: Invitae Variant Classification Sherloc (09022015). Collection method: clinical testing. Allele origin: germline.
Comment: This sequence change replaces aspartic acid, which is acidic and polar, with glutamic acid, which is acidic and polar, at codon 1994 of the APC protein (p.Asp1994Glu). This variant is present in population databases (rs372852823, gnomAD 0.006%). This variant has not been reported in the literature in individuals affected with APC-related conditions. ClinVar contains an entry for this variant (Variation ID: 220442). Invitae Evidence Modeling of protein sequence and biophysical properties (such as structural, functional, and spatial information, amino acid conservation, physicochemical variation, residue mobility, and thermodynamic stability) indicates that this missense variant is not expected to disrupt APC protein function with a negative predictive value of 95%. In summary, the available evidence is currently insufficient to determine the role of this variant in disease. Therefore, it has been classified as a Variant of Uncertain Significance.

Color Diagnostics, LLC DBA Color Health
Classification: Uncertain significance for Hereditary cancer-predisposing syndrome. Last evaluated: 2025-06-23. Review status: criteria provided, single submitter. Criteria: ACMG Guidelines, 2015. Collection method: clinical testing. Allele origin: germline.
Comment: This missense variant replaces aspartic acid with glutamic acid at codon 1994 of the APC protein. Computational prediction suggests that this variant may not impact protein structure and function. To our knowledge, functional studies have not been reported for this variant. This variant has not been reported in individuals affected with APC-related disorders in the literature. This variant has been identified in 9/281586 chromosomes in the general population by the Genome Aggregation Database (gnomAD). The available evidence is insufficient to determine the role of this variant in disease conclusively. Therefore, this variant is classified as a Variant of Uncertain Significance.

Ambry Genetics
Classification: Uncertain significance for Hereditary cancer-predisposing syndrome. Last evaluated: 2024-12-05. Review status: criteria provided, single submitter. Criteria: Ambry Variant Classification Scheme 2023. Collection method: clinical testing. Allele origin: germline.
Comment: The p.D1994E variant (also known as c.5982C>G), located in coding exon 15 of the APC gene, results from a C to G substitution at nucleotide position 5982. The aspartic acid at codon 1994 is replaced by glutamic acid, an amino acid with highly similar properties. In one study, this variant was detected in 0/165 colorectal cancer and/or polyposis patients and was identified in 1/2512 control individuals from a healthy population database (Rosenthal EA et al. Hum. Genet., 2018 Oct;137:795-806). Missense alterations in APC are not a common cause of disease (Spier I et al. Genet Med. 2024 Feb;26(2):100992). This amino acid position is not well conserved in available vertebrate species. In addition, in silico predictors for this gene do not accurately predict pathogenicity. Since supporting evidence is limited at this time, the clinical significance of this alteration remains unclear.

Baylor Genetics
Classification: Uncertain significance for Familial adenomatous polyposis 1. Last evaluated: 2024-02-26. Review status: criteria provided, single submitter. Criteria: ACMG Guidelines, 2015. Collection method: clinical testing. Allele origin: unknown.

GeneDx
Classification: Uncertain significance. Last evaluated: 2023-12-08. Review status: criteria provided, single submitter. Criteria: GeneDx Variant Classification Process June 2021. Collection method: clinical testing. Allele origin: germline. Affected: yes.
Comment: In silico analysis supports that this missense variant does not alter protein structure/function; Has not been previously published as pathogenic or benign to our knowledge; This variant is associated with the following publications: (PMID: 18199528, 30267214)

All of Us Research Program, National Institutes of Health
Classification: Uncertain significance for Classic or attenuated familial adenomatous polyposis. Last evaluated: 2023-04-27. Review status: criteria provided, single submitter. Criteria: ACMG Guidelines, 2015. Collection method: clinical testing. Allele origin: germline. Inheritance: Autosomal dominant inheritance. Observed: 1 variant allele, 1 heterozygote.
Comment: This study involves interpretation of variants in research participants for the purpose of population health screening. Participant phenotype was not available at the time of variant classification. Additional details can be found in publication PMID: 35346344, PMCID: PMC8962531

Blueprint Genetics
Classification: Uncertain significance. Last evaluated: 2022-12-28. Review status: criteria provided, single submitter. Criteria: ACMG Guidelines, 2015. Collection method: clinical testing. Allele origin: germline.

Literature cited by the submitters: PubMed 30267214 (cited by Ambry Genetics).